The following is an entry in ClinVar:

NM_007186.6(CEP250):c.1115A>C (p.Asp372Ala)

Genes: CEP250 (centrosomal protein 250; plus strand), CEP250-AS1 (CEP250 antisense RNA 1; minus strand). Cytogenetic location: 20q11.22.
Variant type: single nucleotide variant.
Coding change: c.1115A>C on transcript NM_007186.6 (MANE Select); coding-DNA position 1115, A replaced by C.
Protein change: p.Asp372Ala; replaces aspartic acid 372 with alanine.
Molecular consequence: missense variant. On other transcripts: 5 prime UTR variant (1).
Genome position (GRCh38, 1-based): chr20:35,472,737, A>C. VCF-style: chr20-35472737-A-C. GRCh37 (hg19) VCF-style: chr20-34060562-A-C.
Other names: c.-785A>C (NM_001318219.1); short protein forms D372A.
Identifiers: ClinVar variation 1487331 (VCV001487331.4), dbSNP rs981413111, ClinGen allele CA314151852.

ClinVar aggregate classification (germline): Uncertain significance (1 of 4 stars; one submission).

Allele frequency attached by ClinVar (database versions not stated): gnomAD exomes below 0.00001 and 0.00001; gnomAD 0.00001; TOPMed 0.00001.
gnomAD v4.1: 8 of 1,613,818 alleles (0.0005%); highest among the groups gnomAD compares: Admixed American, 0.0017%; no homozygotes.

Submission:

Labcorp Genetics (formerly Invitae), Labcorp
Classification: Uncertain significance. Last evaluated: 2022-02-18. Review status: criteria provided, single submitter. Criteria: Invitae Variant Classification Sherloc (09022015). Collection method: clinical testing. Allele origin: germline.
Comment: This sequence change replaces aspartic acid, which is acidic and polar, with alanine, which is neutral and non-polar, at codon 372 of the CEP250 protein (p.Asp372Ala). This variant is present in population databases (no rsID available, gnomAD 0.0009%). This variant has not been reported in the literature in individuals affected with CEP250-related conditions. Algorithms developed to predict the effect of missense changes on protein structure and function are either unavailable or do not agree on the potential impact of this missense change (SIFT: "Not Available"; PolyPhen-2: "Benign"; Align-GVGD: "Not Available"). In summary, the available evidence is currently insufficient to determine the role of this variant in disease. Therefore, it has been classified as a Variant of Uncertain Significance.